The following is an entry in ClinVar:

ClinVar aggregate classification (germline): Pathogenic/Likely pathogenic. Review status: criteria provided, multiple submitters, no conflicts (2 of 4 stars). 2 submissions from 2 submitters: Pathogenic (1); Likely pathogenic (1). Last evaluated 2022-03-24.

Conditions:
MCM8-related disorders.

Submissions (2):

Blueprint Genetics
Classification: Likely pathogenic for MCM8-related disorders. Last evaluated: 2022-03-24. Review status: criteria provided, single submitter. Criteria: ACMG Guidelines, 2015. Collection method: clinical testing. Allele origin: germline. Affected: yes. Observed: 4 variant alleles.

GeneDx
Classification: Pathogenic. Last evaluated: 2016-11-29. Review status: criteria provided, single submitter. Criteria: GeneDx Variant Classification (06012015). Collection method: clinical testing. Allele origin: germline. Affected: yes.
Comment: The c.278_281delTTGA variant in the MCM8 gene has not been reported previously as a pathogenic variant nor as a benign variant, to our knowledge. The c.278_281delTTGA variant causes a frameshift starting with codon Isoleucine 93, changes this amino acid to a Arginine residue, and creates a premature Stop codon at position 22 of the new reading frame, denoted p.Ile93ArgfsX22. This variant is predicted to cause loss of normal protein function either through protein truncation or nonsense-mediated mRNA decay. The c.278_281delTTGA variant was not observed in approximately 6500 individuals of European and African American ancestry in the NHLBI Exome Sequencing Project, indicating it is not a common benign variant in these populations. We interpret c.278_281delTTGA as a pathogenic variant

NM_032485.6(MCM8):c.278_281del (p.Ile93fs)

Gene: MCM8 (minichromosome maintenance 8 homologous recombination repair factor; plus strand). Cytogenetic location: 20p12.3.
Variant type: Microsatellite.
Coding change: c.278_281del on transcript NM_032485.6 (MANE Select); coding-DNA positions 278 to 281, 4 bases deleted (TTGA; older notation c.278_281delTTGA).
Protein change: p.Ile93fs; shifts the reading frame from isoleucine 93.
Molecular consequence: frameshift variant.
Genome position (GRCh38, 1-based): chr20:5,954,632-5,954,635, TTGA deleted; deleting any 4 consecutive bases within chr20:5,954,628-5,954,635 gives the same sequence; the c. name uses the placement nearest the transcript's 3' end. VCF-style (leftmost placement, unchanged base first): chr20-5954627-TTTGA-T. GRCh37 (hg19) VCF-style: chr20-5935273-TTTGA-T.
Other names: c.278_281del, p.Ile93fs (NM_001281520.2, NM_001281521.2, NM_001281522.2 and 1 more transcripts); short protein forms I93fs.
Identifiers: ClinVar variation 373125 (VCV000373125.3), dbSNP rs777947820, ClinGen allele CA9756417.
Genomic context (GRCh38, chr20:5,954,627, plus strand): 5'-CTGTGTGATTATTTGTGCTAATGCCATATTTGTTGGATTAGTTTACAGCGATAGCTCTCC[TTTGA>T]TTGAGAAGATTCAAGCATTTGAAAAATTTTTCACAAGGCATATTGATTTGTATGACAAGG-3'